The following is an entry in ClinVar:

NM_030632.3(ASXL3):c.4462_4465del (p.Thr1488fs)

Gene: ASXL3 (ASXL transcriptional regulator 3; plus strand). Cytogenetic location: 18q12.1.
Variant type: Deletion.
Coding change: c.4462_4465del on transcript NM_030632.3 (MANE Select); coding-DNA positions 4462 to 4465, 4 bases deleted (ACTG; older notation c.4462_4465delACTG).
Protein change: p.Thr1488fs; shifts the reading frame from threonine 1488.
Molecular consequence: frameshift variant.
Genome position (GRCh38, 1-based): chr18:33,744,310-33,744,313, ACTG deleted; deleting any 4 consecutive bases within chr18:33,744,307-33,744,313 gives the same sequence; the c. name uses the placement nearest the transcript's 3' end. VCF-style (leftmost placement, unchanged base first): chr18-33744306-TCTGA-T. GRCh37 (hg19) VCF-style: chr18-31324270-TCTGA-T.
Other names: c.4462_4465delACTG (NM_030632.1); c.4462_4465del (NM_030632.1); short protein forms T1488fs.
Identifiers: ClinVar variation 817642 (VCV000817642.16), dbSNP rs1599574018, ClinGen allele CA915952509.

ClinVar aggregate classification (germline): Conflicting classifications of pathogenicity. Review status: criteria provided, conflicting classifications (1 of 4 stars). 3 submissions from 3 submitters: Pathogenic (2); Uncertain significance (1). Last evaluated 2025-03-03.

Conditions:
Bainbridge-Ropers syndrome. Also called: Severe feeding difficulties-failure to thrive-microcephaly due to ASXL3 deficiency syndrome. Identifiers: Orphanet 352577, MedGen C4750837, MONDO:0014205, OMIM 615485.

Submissions (3):

GeneDx
Classification: Pathogenic. Last evaluated: 2025-03-03. Review status: criteria provided, single submitter. Criteria: GeneDx Variant Classification Process June 2021. Collection method: clinical testing. Allele origin: germline. Affected: yes.
Comment: Frameshift variant predicted to result in abnormal protein length as the last 761 amino acid(s) are replaced with 16 different amino acid(s), and other similar variants have been reported in HGMD; Not observed at significant frequency in large population cohorts (gnomAD); This variant is associated with the following publications: (PMID: 34436830, 27535533, 24077912, 33057194, 35982159, 38420660)

Institute of Human Genetics, University of Leipzig Medical Center
Classification: Uncertain significance for Bainbridge-Ropers syndrome. Last evaluated: 2020-11-16. Review status: criteria provided, single submitter. Criteria: ACMG Guidelines, 2015. Collection method: clinical testing. Allele origin: germline. Inheritance: Autosomal dominant inheritance. Affected: yes. Clinical features observed: mild ID, microcephaly, aggressive behavior, self-mutilation.
Comment: This variant was identified in heterozygous state in two siblings with mild ID, microcephaly, aggressive behavior and self-mutilation. It results in a frameshift in last exon, other disease causing variant downstream is published (June 2020, PMID: 32240826) or were submitted to DECIPHER. PVS1_Strong, PM2, BS2

Labcorp Genetics (formerly Invitae), Labcorp
Classification: Pathogenic. Last evaluated: 2020-04-26. Review status: criteria provided, single submitter. Criteria: Invitae Variant Classification Sherloc (09022015). Collection method: clinical testing. Allele origin: germline.
Comment: This sequence change results in a premature translational stop signal in the ASXL3 gene (p.Thr1488Serfs*17). While this is not anticipated to result in nonsense mediated decay, it is expected to disrupt the last 761 amino acids of the ASXL3 protein. This variant is not present in population databases (ExAC no frequency). This variant has been observed in individual(s) with clinical features of Bainbridge-Ropers Syndrome (Invitae). In at least one individual the variant was observed to be de novo. ClinVar contains an entry for this variant (Variation ID: 817642). For these reasons, this variant has been classified as Pathogenic.